The following is an entry in ClinVar:

NM_005475.3(SH2B3):c.59C>T (p.Ala20Val)

Gene: SH2B3 (SH2B adaptor protein 3; plus strand). Cytogenetic location: 12q24.12.
Variant type: single nucleotide variant.
Coding change: c.59C>T on transcript NM_005475.3 (MANE Select); coding-DNA position 59, C replaced by T.
Protein change: p.Ala20Val; replaces alanine 20 with valine.
Molecular consequence: missense variant.
Genome position (GRCh38, 1-based): chr12:111,418,204, C>T. VCF-style: chr12-111418204-C-T. GRCh37 (hg19) VCF-style: chr12-111856008-C-T.
Other names: short protein forms A20V.
Identifiers: ClinVar variation 4163923 (VCV004163923.1).
Genomic context (GRCh38, chr12:111,418,204, plus strand): 5'-CCATGAACGGGCCTGCCCTGCAGCCCTCCTCGCCCTCTTCCGCGCCCTCAGCCTCCCCGG[C>T]GGCGGCCCCGCGGGGCTGGAGCGAGTTCTGTGAGTTGCACGCCGTAGCGGCGGCCCGGGA-3'
Protein context (NP_005466.1, residues 10-30): SPSSAPSASP[Ala20Val]AAPRGWSEFC

ClinVar aggregate classification (germline): Uncertain significance (1 of 4 stars; one submission).

Conditions:
Inborn genetic diseases. Identifiers: MedGen C0950123, MeSH D030342.

gnomAD v4.1: 8 of 1,576,200 alleles (0.00051%); highest among the groups gnomAD compares: Non-Finnish European, 0.00068%; no homozygotes.

Submission:

Ambry Genetics
Classification: Uncertain significance for Inborn genetic diseases. Last evaluated: 2025-06-29. Review status: criteria provided, single submitter. Criteria: Ambry Variant Classification Scheme 2023. Collection method: clinical testing. Allele origin: germline.
Comment: The p.A20V variant (also known as c.59C>T), located in coding exon 1 of the SH2B3 gene, results from a C to T substitution at nucleotide position 59. The alanine at codon 20 is replaced by valine, an amino acid with similar properties. This amino acid position is conserved. In addition, this alteration is predicted to be tolerated by in silico analysis. Based on the available evidence, the clinical significance of this variant remains unclear.